The following is an entry in ClinVar:

ClinVar aggregate classification (germline): Uncertain significance. Review status: criteria provided, multiple submitters, no conflicts (2 of 4 stars). 6 submissions from 6 submitters: Uncertain significance (4). 2 of the submissions do not count toward it. Last evaluated 2024-01-26.

Conditions:
Nephrocalcinosis. Also called: Hypercalcemic nephropathy. Identifiers: MedGen C0027709, MONDO:0001567, HP:0000121.
Kidney stone. Also called: Nephrolithiasis. Identifiers: MedGen C0392525, MONDO:0008171, HP:0000787.
Fanconi renotubular syndrome 2 (FRTS2). Identifiers: MedGen C3150652, MONDO:0013247, OMIM 613388.
Hypophosphatemic nephrolithiasis/osteoporosis 1. Identifiers: Orphanet 244305, MedGen C2676786, MONDO:0012850, OMIM 612286.
Hypercalcemia, infantile, 2 (HCINF2). Identifiers: Orphanet 300547, MedGen C4310473, MONDO:0014851, OMIM 616963.
SLC34A1-related disorder. Also called: SLC34A1-related disorders; SLC34A1-related condition.

Allele frequency attached by ClinVar (database versions not stated): 1000 Genomes Project 30x 0.00047; gnomAD exomes 0.00001 and 0.00003; ExAC 0.00002; ESP Exome Variant Server 0.00008; TOPMed 0.00015; gnomAD 0.00018; 1000 Genomes Project 0.00040.
gnomAD v4.1: 38 of 1,614,260 alleles (0.0024%); highest among the groups gnomAD compares: African/African-American, 0.048%; no homozygotes.

Submissions (6):

GeneDx
Classification: Uncertain significance. Last evaluated: 2024-01-26. Review status: criteria provided, single submitter. Criteria: GeneDx Variant Classification Process June 2021. Collection method: clinical testing. Allele origin: germline. Affected: yes.
Comment: Identified as a single heterozygous variant in a patient with infantile hypercalcemia; the variant was noted to be paternally inherited but clinical information was limited (PMID: 29959532); In silico analysis supports that this missense variant has a deleterious effect on protein structure/function; This variant is associated with the following publications: (PMID: 31589614, 28893421, 29959532)

Labcorp Genetics (formerly Invitae), Labcorp
Classification: Uncertain significance. Last evaluated: 2022-06-08. Review status: criteria provided, single submitter. Criteria: Invitae Variant Classification Sherloc (09022015). Collection method: clinical testing. Allele origin: germline.
Comment: This sequence change replaces glycine, which is neutral and non-polar, with arginine, which is basic and polar, at codon 402 of the SLC34A1 protein (p.Gly402Arg). This variant is present in population databases (rs376131751, gnomAD 0.07%). This missense change has been observed in individual(s) with clinical features of infantile hypercalcemia (PMID: 28893421, 29959532). ClinVar contains an entry for this variant (Variation ID: 548678). Algorithms developed to predict the effect of missense changes on protein structure and function are either unavailable or do not agree on the potential impact of this missense change (SIFT: "Deleterious"; PolyPhen-2: "Probably Damaging"; Align-GVGD: "Class C0"). Algorithms developed to predict the effect of sequence changes on RNA splicing suggest that this variant may disrupt the consensus splice site. In summary, the available evidence is currently insufficient to determine the role of this variant in disease. Therefore, it has been classified as a Variant of Uncertain Significance.

Fulgent Genetics
Classification: Uncertain significance for Hypophosphatemic nephrolithiasis/osteoporosis 1; Fanconi renotubular syndrome 2; Hypercalcemia, infantile, 2. Last evaluated: 2022-05-17. Review status: criteria provided, single submitter. Criteria: ACMG Guidelines, 2015. Collection method: clinical testing. Allele origin: unknown.

Breakthrough Genomics
Classification: Uncertain significance. Review status: criteria provided, single submitter. Criteria: ACMG Guidelines, 2015. Collection method: not provided. Allele origin: germline. Inheritance: Autosomal recessive inheritance. Affected: yes.

PreventionGenetics, part of Exact Sciences
Classification: Likely pathogenic for SLC34A1-related condition. Last evaluated: 2024-08-09. Review status: no assertion criteria provided. Collection method: clinical testing. Allele origin: germline. Not counted in ClinVar's aggregate classification.
Comment: The SLC34A1 c.1204G>C variant is predicted to result in the amino acid substitution p.Gly402Arg. This variant has been reported to be causative for idiopathic infantile hypercalcemia (Hureaux et al. 2018. PubMed ID: 29959532; Daga. 2018. PubMed ID: 28893421). This variant is reported in 0.068% of alleles in individuals of African descent in gnomAD. This variant is interpreted as likely pathogenic.

Yale Center for Mendelian Genomics, Yale University
Classification: Likely pathogenic for Nephrolithiasis; Nephrocalcinosis. Last evaluated: 2017-09-08. Review status: no assertion criteria provided. Collection method: literature only. Allele origin: germline. Affected: yes. Observed: 1 compound heterozygote. Not counted in ClinVar's aggregate classification.

Literature cited by the submitters: PubMed 28893421 (cited by Labcorp Genetics (formerly Invitae), Labcorp and Yale Center for Mendelian Genomics, Yale University); PubMed 29959532 (cited by Labcorp Genetics (formerly Invitae), Labcorp).

NM_003052.5(SLC34A1):c.1204G>C (p.Gly402Arg)

Gene: SLC34A1 (solute carrier family 34 member 1; plus strand). Cytogenetic location: 5q35.3.
Variant type: single nucleotide variant.
Coding change: c.1204G>C on transcript NM_003052.5 (MANE Select); coding-DNA position 1204, G replaced by C.
Protein change: p.Gly402Arg; replaces glycine 402 with arginine.
Molecular consequence: missense variant.
Genome position (GRCh38, 1-based): chr5:177,396,762, G>C. VCF-style: chr5-177396762-G-C. GRCh37 (hg19) VCF-style: chr5-176823763-G-C.
Other names: short protein forms G402R.
Identifiers: ClinVar variation 548678 (VCV000548678.7), dbSNP rs376131751, ClinGen allele CA3580695.